The following is an entry in ClinVar:

ClinVar aggregate classification (germline): Uncertain significance. Review status: criteria provided, multiple submitters, no conflicts (2 of 4 stars). 2 submissions from 2 submitters: Uncertain significance (2). Last evaluated 2025-11-19.

Allele frequency attached by ClinVar (database versions not stated): ESP Exome Variant Server 0.00017; gnomAD 0.00023 and 0.00025; TOPMed 0.00025.
gnomAD v4.1: 438 of 1,613,980 alleles (0.027%); highest among the groups gnomAD compares: Non-Finnish European, 0.035%; no homozygotes.

Submissions (2):

Labcorp Genetics (formerly Invitae), Labcorp
Classification: Uncertain significance. Last evaluated: 2025-11-19. Review status: criteria provided, single submitter. Criteria: Invitae Variant Classification Sherloc (09022015). Collection method: clinical testing. Allele origin: germline.
Comment: This sequence change replaces alanine, which is neutral and non-polar, with threonine, which is neutral and polar, at codon 1238 of the NPAT protein (p.Ala1238Thr). This variant is present in population databases (rs200156065, gnomAD 0.05%), and has an allele count higher than expected for a pathogenic variant. This variant has not been reported in the literature in individuals affected with NPAT-related conditions. ClinVar contains an entry for this variant (Variation ID: 1338698). An algorithm developed to predict the effect of missense changes on protein structure and function outputs the following: PolyPhen-2: "Benign". The threonine amino acid residue is found in multiple mammalian species, which suggests that this missense change does not adversely affect protein function. In summary, the available evidence is currently insufficient to determine the role of this variant in disease. Therefore, it has been classified as a Variant of Uncertain Significance.

Genetic Services Laboratory, University of Chicago
Classification: Uncertain significance. Last evaluated: 2021-06-15. Review status: criteria provided, single submitter. Criteria: ACMG Guidelines, 2015. Collection method: clinical testing. Allele origin: germline. Affected: no.
Comment: DNA sequence analysis of the NPAT gene demonstrated a sequence change, c.3712G>A, in exon 17 that results in an amino acid change, p.Ala1238Thr. This sequence change has been described in gnomAD with a frequency of 0.047% in the Non-Finnish European sub-population (dbSNP rs200156065). The p.Ala1238Thr change affects a poorly conserved amino acid residue located in a domain of the NPAT protein that is known to be functional. The p.Ala1238Thr substitution appears to be tolerated using several in-silico pathogenicity prediction tools (SIFT, PolyPhen2, Align GVGD, REVEL). This sequence change does not appear to have been previously described in patients with NPAT-related disorders. Due to the lack of sufficient evidences, the clinical significance of the p.Ala1238Thr change remains unknown at this time.

NM_002519.3(NPAT):c.3712G>A (p.Ala1238Thr)

Gene: NPAT (nuclear protein, coactivator of histone transcription; minus strand). Cytogenetic location: 11q22.3.
Variant type: single nucleotide variant.
Coding change: c.3712G>A on transcript NM_002519.3 (MANE Select); coding-DNA position 3712, G replaced by A.
Protein change: p.Ala1238Thr; replaces alanine 1238 with threonine.
Molecular consequence: missense variant.
Genome position (GRCh38, 1-based): chr11:108,161,374, C>T on the plus strand (G>A on the coding strand, the complement: NPAT is on the minus strand). VCF-style: chr11-108161374-C-T. GRCh37 (hg19) VCF-style: chr11-108032101-C-T.
Other names: c.3733G>A, p.Ala1245Thr (NM_001321307.1); short protein forms A1238T, A1245T.
Identifiers: ClinVar variation 1338698 (VCV001338698.8), dbSNP rs200156065, ClinGen allele CA6263532.